The following is an entry in ClinVar:

NM_005506.4(SCARB2):c.353T>G (p.Val118Gly)

Gene: SCARB2 (scavenger receptor class B member 2; minus strand). Cytogenetic location: 4q21.1.
Variant type: single nucleotide variant.
Coding change: c.353T>G on transcript NM_005506.4 (MANE Select); coding-DNA position 353, T replaced by G.
Protein change: p.Val118Gly; replaces valine 118 with glycine.
Molecular consequence: missense variant. On other transcripts: intron variant (1).
Genome position (GRCh38, 1-based): chr4:76,181,024, A>C on the plus strand (T>G on the coding strand, the complement: SCARB2 is on the minus strand). VCF-style: chr4-76181024-A-C. GRCh37 (hg19) VCF-style: chr4-77102177-A-C.
Other names: c.276-5114T>G (NM_001204255.2); short protein forms V118G.
Identifiers: ClinVar variation 1714090 (VCV001714090.5), dbSNP rs2476255689, ClinGen allele CA357327227.

ClinVar aggregate classification (germline): Uncertain significance (1 of 4 stars; one submission).

Conditions:
Progressive myoclonic epilepsy. Also called: Familial progressive myoclonic epilepsy; Myoclonic Epilepsies, Progressive; Myoclonus epilepsy; Progressive myoclonus epilepsy. Identifiers: Orphanet 308, Orphanet 98261, MedGen C0751778, MONDO:0020074.

Allele frequency attached by ClinVar (database versions not stated): gnomAD exomes below 0.00001.
gnomAD v4.1: 1 of 1,613,870 alleles (0.000062%); highest among the groups gnomAD compares: Non-Finnish European, 0.000085%; no homozygotes.

Submission:

Labcorp Genetics (formerly Invitae), Labcorp
Classification: Uncertain significance for Progressive myoclonic epilepsy. Last evaluated: 2022-07-29. Review status: criteria provided, single submitter. Criteria: Invitae Variant Classification Sherloc (09022015). Collection method: clinical testing. Allele origin: germline.
Comment: This sequence change replaces valine, which is neutral and non-polar, with glycine, which is neutral and non-polar, at codon 118 of the SCARB2 protein (p.Val118Gly). This variant is not present in population databases (gnomAD no frequency). This variant has not been reported in the literature in individuals affected with SCARB2-related conditions. Algorithms developed to predict the effect of missense changes on protein structure and function are either unavailable or do not agree on the potential impact of this missense change (SIFT: "Deleterious"; PolyPhen-2: "Probably Damaging"; Align-GVGD: "Class C0"). In summary, the available evidence is currently insufficient to determine the role of this variant in disease. Therefore, it has been classified as a Variant of Uncertain Significance.